The following is an entry in ClinVar:

NM_004360.5(CDH1):c.432C>G (p.Asn144Lys)

Gene: CDH1 (cadherin 1; plus strand). Cytogenetic location: 16q22.1.
Variant type: single nucleotide variant.
Coding change: c.432C>G on transcript NM_004360.5 (MANE Select); coding-DNA position 432, C replaced by G.
Protein change: p.Asn144Lys; replaces asparagine 144 with lysine.
Molecular consequence: missense variant. On other transcripts: 5 prime UTR variant (2).
Genome position (GRCh38, 1-based): chr16:68,808,468, C>G. VCF-style: chr16-68808468-C-G. GRCh37 (hg19) VCF-style: chr16-68842371-C-G.
Other names: c.432C>G, p.Asn144Lys (NM_001317184.2); c.-1184C>G (NM_001317185.2); c.-1388C>G (NM_001317186.2); short protein forms N144K.
Identifiers: ClinVar variation 5033966 (VCV005033966.1).

ClinVar aggregate classification (germline): Uncertain significance (1 of 4 stars; one submission).

Conditions:
Hereditary cancer-predisposing syndrome. Also called: Neoplastic Syndromes, Hereditary; Tumor predisposition; Hereditary neoplastic syndrome; Hereditary Cancer Syndrome. Identifiers: Orphanet 140162, MedGen C0027672, MeSH D009386, MONDO:0015356.

Submission:

Ambry Genetics
Classification: Uncertain significance for Hereditary cancer-predisposing syndrome. Last evaluated: 2026-07-07. Review status: criteria provided, single submitter. Criteria: Ambry Variant Classification Scheme 2023. Collection method: clinical testing. Allele origin: germline.
Comment: The p.N144K variant (also known as c.432C>G), located in coding exon 4 of the CDH1 gene, results from a C to G substitution at nucleotide position 432. The asparagine at codon 144 is replaced by lysine, an amino acid with similar properties. This amino acid position is conserved. In addition, this alteration is predicted to be tolerated by in silico analysis. Based on the available evidence, the clinical significance of this variant remains unclear.